The following is an entry in ClinVar:

ClinVar aggregate classification (germline): Pathogenic (1 of 4 stars; one submission).

Conditions:
Joubert syndrome. Also called: CEREBELLOPARENCHYMAL DISORDER IV; JOUBERT-BOLTSHAUSER SYNDROME; Familial aplasia of the vermis. Identifiers: Orphanet 475, MedGen C5979921, MONDO:0018772.
Meckel-Gruber syndrome. Also called: DYSENCEPHALIA SPLANCHNOCYSTICA; GRUBER SYNDROME; Dysencephalia splachnocystica. Identifiers: Orphanet 564, MedGen C0265215, MONDO:0018921.

Submission:

Labcorp Genetics (formerly Invitae), Labcorp
Classification: Pathogenic for Joubert syndrome; Meckel-Gruber syndrome. Last evaluated: 2023-03-01. Review status: criteria provided, single submitter. Criteria: Invitae Variant Classification Sherloc (09022015). Collection method: clinical testing. Allele origin: germline.
Comment: This sequence change creates a premature translational stop signal (p.Leu1070Glnfs*62) in the RPGRIP1L gene. It is expected to result in an absent or disrupted protein product. Loss-of-function variants in RPGRIP1L are known to be pathogenic (PMID: 17558409). This variant is present in population databases (rs776922546, gnomAD 0.0009%). This variant has not been reported in the literature in individuals affected with RPGRIP1L-related conditions. For these reasons, this variant has been classified as Pathogenic.

Literature cited by the submitters: PubMed 17558409.

NM_015272.5(RPGRIP1L):c.3208_3214del (p.Leu1070fs)

Gene: RPGRIP1L (RPGRIP1 like; minus strand). Cytogenetic location: 16q12.2.
Variant type: Deletion.
Coding change: c.3208_3214del on transcript NM_015272.5 (MANE Select); coding-DNA positions 3208 to 3214, 7 bases deleted (TTGGAAC; older notation c.3208_3214delTTGGAAC).
Protein change: p.Leu1070fs; shifts the reading frame from leucine 1070.
Molecular consequence: frameshift variant.
Genome position (GRCh38, 1-based): chr16:53,637,701-53,637,707, GTTCCAA deleted on the plus strand (TTGGAAC on the coding strand, the reverse complement: RPGRIP1L is on the minus strand); deleting any 7 consecutive bases within chr16:53,637,701-53,637,709 gives the same sequence; the c. name uses the placement nearest the transcript's 3' end. VCF-style (leftmost placement, unchanged base first): chr16-53637700-GGTTCCAA-G. GRCh37 (hg19) VCF-style: chr16-53671612-GGTTCCAA-G.
Other names: c.3106_3112del, p.Leu1036fs (NM_001127897.4, NM_001330538.2); c.3208_3214del, p.Leu1070fs (NM_001308334.3); short protein forms L1036fs, L1070fs.
Identifiers: ClinVar variation 2944858 (VCV002944858.3), dbSNP rs776922546, ClinGen allele CA8057345.